The following is an entry in ClinVar:

ClinVar aggregate classification (germline): Uncertain significance (1 of 4 stars; one submission).

Submission:

GeneDx
Classification: Uncertain significance. Last evaluated: 2025-04-17. Review status: criteria provided, single submitter. Criteria: GeneDx Variant Classification Process June 2021. Collection method: clinical testing. Allele origin: germline. Affected: yes.
Comment: Not observed at significant frequency in large population cohorts (gnomAD); In silico analysis indicates that this missense variant does not alter protein structure/function; Has not been previously published as pathogenic or benign to our knowledge

NM_001278116.2(L1CAM):c.1597T>C (p.Ser533Pro)

Gene: L1CAM (L1 cell adhesion molecule; minus strand). Cytogenetic location: Xq28.
Variant type: single nucleotide variant.
Coding change: c.1597T>C on transcript NM_001278116.2 (MANE Select); coding-DNA position 1597, T replaced by C.
Protein change: p.Ser533Pro; replaces serine 533 with proline.
Molecular consequence: missense variant.
Genome position (GRCh38, 1-based): chrX:153,868,408, A>G on the plus strand (T>C on the coding strand, the complement: L1CAM is on the minus strand). VCF-style: chrX-153868408-A-G. GRCh37 (hg19) VCF-style: chrX-153133863-A-G.
Other names: c.1597T>C, p.Ser533Pro (NM_000425.5, NM_024003.3); c.1582T>C, p.Ser528Pro (NM_001143963.2); short protein forms S528P, S533P.
Identifiers: ClinVar variation 4282326 (VCV004282326.1).